The following is an entry in ClinVar:

NM_006393.3(NEBL):c.2681G>A (p.Gly894Glu)

Gene: NEBL (nebulette; minus strand). Cytogenetic location: 10p12.31.
Variant type: single nucleotide variant.
Coding change: c.2681G>A on transcript NM_006393.3 (MANE Select); coding-DNA position 2681, G replaced by A.
Protein change: p.Gly894Glu; replaces glycine 894 with glutamic acid.
Molecular consequence: missense variant. On other transcripts: intron variant (9).
Genome position (GRCh38, 1-based): chr10:20,808,590, C>T on the plus strand (G>A on the coding strand, the complement: NEBL is on the minus strand). VCF-style: chr10-20808590-C-T. GRCh37 (hg19) VCF-style: chr10-21097519-C-T.
Other names: c.421+4179G>A (NM_001377326.1, NM_001377327.1, NM_001377328.1); c.529+4179G>A (NM_213569.2, NM_001173484.2); c.622+1216G>A (NM_001377322.1); c.472+4179G>A (NM_001377324.1); c.463+4179G>A (NM_001377325.1); c.481+4179G>A (NM_001377323.1); short protein forms G894E.
Identifiers: ClinVar variation 229047 (VCV000229047.12), dbSNP rs876657926, ClinGen allele CA10576781.

ClinVar aggregate classification (germline): Uncertain significance. Review status: criteria provided, multiple submitters, no conflicts (2 of 4 stars). 3 submissions from 3 submitters: Uncertain significance (3). Last evaluated 2023-10-12.

Conditions:
Primary dilated cardiomyopathy (DCM). Also called: Dilated Cardiomyopathy. Identifiers: Orphanet 217604, MedGen C0007193, MeSH D002311, MONDO:0005021, HP:0001644. Inheritance: Various modes of inheritance.

Allele frequency attached by ClinVar (database versions not stated): TOPMed below 0.00001; gnomAD 0.00001.
gnomAD v4.1: 5 of 1,613,586 alleles (0.00031%); highest among the groups gnomAD compares: African/African-American, 0.0013%; no homozygotes.

Submissions (3):

Ambry Genetics
Classification: Uncertain significance. Last evaluated: 2023-10-12. Review status: criteria provided, single submitter. Criteria: Ambry Variant Classification Scheme 2023. Collection method: clinical testing. Allele origin: germline.
Comment: The p.G894E variant (also known as c.2681G>A), located in coding exon 26 of the NEBL gene, results from a G to A substitution at nucleotide position 2681. The glycine at codon 894 is replaced by glutamic acid, an amino acid with similar properties. This amino acid position is conserved. In addition, this alteration is predicted to be tolerated by in silico analysis. Since supporting evidence is limited at this time, the clinical significance of this alteration remains unclear.

Labcorp Genetics (formerly Invitae), Labcorp
Classification: Uncertain significance for Primary dilated cardiomyopathy. Last evaluated: 2021-07-31. Review status: criteria provided, single submitter. Criteria: Invitae Variant Classification Sherloc (09022015). Collection method: clinical testing. Allele origin: germline.
Comment: ClinVar contains an entry for this variant (Variation ID: 229047). This variant has not been reported in the literature in individuals affected with NEBL-related conditions. This variant is not present in population databases (ExAC no frequency). This sequence change replaces glycine with glutamic acid at codon 894 of the NEBL protein (p.Gly894Glu). The glycine residue is highly conserved and there is a moderate physicochemical difference between glycine and glutamic acid. Algorithms developed to predict the effect of missense changes on protein structure and function are either unavailable or do not agree on the potential impact of this missense change (SIFT: "Tolerated"; PolyPhen-2: "Probably Damaging"; Align-GVGD: "Class C0"). In summary, the available evidence is currently insufficient to determine the role of this variant in disease. Therefore, it has been classified as a Variant of Uncertain Significance.

Laboratory for Molecular Medicine, Mass General Brigham Personalized Medicine
Classification: Uncertain significance. Last evaluated: 2015-12-21. Review status: criteria provided, single submitter. Criteria: LMM Criteria. Collection method: clinical testing. Allele origin: germline. Observed: 1 variant allele.
Comment: The p.Gly894Glu variant in NEBL has not been previously identified in individual s with cardiomyopathy and was absent from large population studies. Computationa l prediction tools and conservation analysis suggest that this variant may impac t the protein, though this information is not predictive enough to determine pat hogenicity. In summary, the clinical significance of the p.Gly894Glu variant is uncertain.